The following is an entry in ClinVar:

ClinVar aggregate classification (germline): Conflicting classifications of pathogenicity. Review status: criteria provided, conflicting classifications (1 of 4 stars). 3 submissions from 3 submitters: Uncertain significance (2); Benign (1). Last evaluated 2025-12-16.

Conditions:
KMT2D-related disorder. Also called: KMT2D-Related Disorders.
Kabuki syndrome. Also called: NIIKAWA-KUROKI SYNDROME; Kabuki make-up syndrome. Identifiers: Orphanet 2322, MedGen C0796004, MONDO:0016512.

Allele frequency attached by ClinVar (database versions not stated): gnomAD exomes 0.00001; ExAC 0.00002; gnomAD 0.00003; TOPMed 0.00003.
gnomAD v4.1: 24 of 1,609,950 alleles (0.0015%); highest among the groups gnomAD compares: African/African-American, 0.012%; no homozygotes.

Submissions (3):

Labcorp Genetics (formerly Invitae), Labcorp
Classification: Benign for Kabuki syndrome. Last evaluated: 2025-12-16. Review status: criteria provided, single submitter. Criteria: Invitae Variant Classification Sherloc (09022015). Collection method: clinical testing. Allele origin: germline.

PreventionGenetics, part of Exact Sciences
Classification: Uncertain significance for KMT2D-related condition. Last evaluated: 2025-09-04. Review status: criteria provided, single submitter. Criteria: ACMG Guidelines, 2015. Collection method: clinical testing. Allele origin: germline.
Comment: The KMT2D c.8906C>T variant is predicted to result in the amino acid substitution p.Ser2969Leu. To our knowledge, this variant has not been reported in the literature. This variant is reported in 0.0051% of alleles in individuals of East Asian descent in gnomAD. However, in gnomAD v4 (available only on GRCh38), this variant is reported in 24 alleles globally, which is likely too common for a highly penetrant pathogenic variant. Although we suspect that this variant may be benign, at this time, the clinical significance of this variant is uncertain due to the absence of conclusive functional and genetic evidence.

Revvity Omics, Revvity
Classification: Uncertain significance. Last evaluated: 2022-10-14. Review status: criteria provided, single submitter. Criteria: ACMG Guidelines, 2015. Collection method: clinical testing. Allele origin: germline.

NM_003482.4(KMT2D):c.8906C>T (p.Ser2969Leu)

Gene: KMT2D (lysine methyltransferase 2D; minus strand). Cytogenetic location: 12q13.12.
Variant type: single nucleotide variant.
Coding change: c.8906C>T on transcript NM_003482.4 (MANE Select); coding-DNA position 8906, C replaced by T.
Protein change: p.Ser2969Leu; replaces serine 2969 with leucine.
Molecular consequence: missense variant.
Genome position (GRCh38, 1-based): chr12:49,038,450, G>A on the plus strand (C>T on the coding strand, the complement: KMT2D is on the minus strand). VCF-style: chr12-49038450-G-A. GRCh37 (hg19) VCF-style: chr12-49432233-G-A.
Other names: short protein forms S2969L.
Identifiers: ClinVar variation 2196147 (VCV002196147.9), dbSNP rs762096305, ClinGen allele CA6546772.